The following is an entry in ClinVar:

NM_001282933.2(ZNF341):c.1103A>G (p.His368Arg)

Gene: ZNF341 (zinc finger protein 341; plus strand). Cytogenetic location: 20q11.22.
Variant type: single nucleotide variant.
Coding change: c.1103A>G on transcript NM_001282933.2 (MANE Select); coding-DNA position 1103, A replaced by G.
Protein change: p.His368Arg; replaces histidine 368 with arginine.
Molecular consequence: missense variant. On other transcripts: non-coding transcript variant (1).
Genome position (GRCh38, 1-based): chr20:33,761,936, A>G. VCF-style: chr20-33761936-A-G. GRCh37 (hg19) VCF-style: chr20-32349742-A-G.
Other names: c.833A>G, p.His278Arg (NM_001282935.2); c.1082A>G, p.His361Arg (NM_032819.5); short protein forms H278R, H361R, H368R.
Identifiers: ClinVar variation 1479434 (VCV001479434.5), dbSNP rs2122686461, ClinGen allele CA408654620.

ClinVar aggregate classification (germline): Uncertain significance (1 of 4 stars; one submission).

Submission:

Labcorp Genetics (formerly Invitae), Labcorp
Classification: Uncertain significance. Last evaluated: 2022-10-18. Review status: criteria provided, single submitter. Criteria: Invitae Variant Classification Sherloc (09022015). Collection method: clinical testing. Allele origin: germline.
Comment: This sequence change replaces histidine, which is basic and polar, with arginine, which is basic and polar, at codon 361 of the ZNF341 protein (p.His361Arg). This variant is not present in population databases (gnomAD no frequency). This variant has not been reported in the literature in individuals affected with ZNF341-related conditions. ClinVar contains an entry for this variant (Variation ID: 1479434). Algorithms developed to predict the effect of missense changes on protein structure and function are either unavailable or do not agree on the potential impact of this missense change (SIFT: "Deleterious"; PolyPhen-2: "Probably Damaging"; Align-GVGD: "Class C0"). In summary, the available evidence is currently insufficient to determine the role of this variant in disease. Therefore, it has been classified as a Variant of Uncertain Significance.